The following is an entry in ClinVar:

NM_005121.3(MED13):c.4070G>C (p.Arg1357Thr)

Gene: MED13 (mediator complex subunit 13; minus strand). Cytogenetic location: 17q23.2.
Variant type: single nucleotide variant.
Coding change: c.4070G>C on transcript NM_005121.3 (MANE Select); coding-DNA position 4070, G replaced by C.
Protein change: p.Arg1357Thr; replaces arginine 1357 with threonine.
Molecular consequence: missense variant.
Genome position (GRCh38, 1-based): chr17:61,968,156, C>G on the plus strand (G>C on the coding strand, the complement: MED13 is on the minus strand). VCF-style: chr17-61968156-C-G. GRCh37 (hg19) VCF-style: chr17-60045517-C-G.
Other names: short protein forms R1357T.
Identifiers: ClinVar variation 3899781 (VCV003899781.2).
Genomic context (GRCh38, chr17:61,968,156, plus strand): 5'-TCTGGACACAGTACAACATAGGCTATATCTCTTTGAGATCCATAGGGTTCCAGCATAAGT[C>G]TCTCCCAATAAGGAAGAGCAAATGGAGAAAGCACCAGATAATCATAATCATAACCCAACA-3'
Protein context (NP_005112.2, residues 1347-1367): LSPFALPYWE[Arg1357Thr]LMLEPYGSQR

ClinVar aggregate classification (germline): Uncertain significance (1 of 4 stars; one submission).

Submission:

GeneDx
Classification: Uncertain significance. Last evaluated: 2025-05-22. Review status: criteria provided, single submitter. Criteria: GeneDx Variant Classification Process June 2021. Collection method: clinical testing. Allele origin: germline.
Comment: Not observed at significant frequency in large population cohorts (gnomAD); In silico analysis supports that this missense variant has a deleterious effect on protein structure/function; Has not been previously published as pathogenic or benign to our knowledge